The following is an entry in ClinVar:

ClinVar aggregate classification (germline): Pathogenic (3 of 4 stars; one submission).

Conditions:
Glanzmann thrombasthenia. Also called: BLEEDING DISORDER, PLATELET-TYPE, 2; THROMBASTHENIA OF GLANZMANN AND NAEGELI; PLATELET GLYCOPROTEIN IIb-IIIa DEFICIENCY; Thrombasthenia; Glanzmann's thrombasthenia. Identifiers: Orphanet 849, MedGen C0040015, MONDO:0100326.

Submission:

ClinGen Platelet Disorders Variant Curation Expert Panel, ClinGen
Classification: Pathogenic for Glanzmann thrombasthenia. Last evaluated: 2021-08-17. Review status: reviewed by expert panel. Criteria: ClinGen Platelet ACMG Specifications v2. Collection method: curation. Allele origin: germline. Inheritance: Autosomal recessive inheritance.
Comment: The ITGA2B frameshift variant NM_000419.5:c.245dup is expected to introduce a premature termination codon 20 amino acids downstream (p.Gly83ArgfsTer20) in exon 2/30 and the resulting mRNA product is predicted to be susceptible to nonsense mediated decay, leading to loss of normal protein function. This variant has been observed in homozygosity in one individual with a phenotype specific for Glanzmann's thrombasthenia (GT) (GT06, PMID: 16463284). Furthermore, this variant is absent from population databases. In summary, this variant meets criteria to be classified as pathogenic for GT. GT-specific criteria applied: PVS1, PP4_moderate, PM2_supporting, and PM3_supporting.

NM_000419.5(ITGA2B):c.245dup (p.Gly83fs)

Gene: ITGA2B (integrin subunit alpha 2b; minus strand). Cytogenetic location: 17q21.31.
Variant type: Duplication.
Coding change: c.245dup on transcript NM_000419.5 (MANE Select); coding-DNA position 245, one base duplicated (G; older notation c.245dupG).
Protein change: p.Gly83fs; shifts the reading frame from glycine 83.
Molecular consequence: frameshift variant.
Genome position (GRCh38, 1-based): chr17:44,386,075, C duplicated on the plus strand (G on the coding strand, the reverse complement: ITGA2B is on the minus strand); the first of 3 consecutive C bases (chr17:44,386,075-44,386,077); duplicating any one gives the same sequence. VCF-style (leftmost placement, unchanged base first): chr17-44386074-G-GC. GRCh37 (hg19) VCF-style: chr17-42463442-G-GC.
Other names: short protein forms G83fs.
Identifiers: ClinVar variation 1210189 (VCV001210189.1), dbSNP rs2143491610, ClinGen allele CA915940723.
Genomic context (GRCh38, chr17:44,386,074, plus strand): 5'-GTCAAAGAGCAGCGAGGGGCACTGGCCGCCCTCGGCCCTCCAGGGGCACAGGAACACGCC[G>GC]CCCGTCTCCTCCTGGCTGGGGCCCAGGGTCCGCGGGGCGCCCACCACGATGGCCACTCTG-3'